The following is an entry in ClinVar:

ClinVar aggregate classification (germline): Uncertain significance (1 of 4 stars; one submission).

Submission:

Labcorp Genetics (formerly Invitae), Labcorp
Classification: Uncertain significance. Last evaluated: 2023-07-14. Review status: criteria provided, single submitter. Criteria: Invitae Variant Classification Sherloc (09022015). Collection method: clinical testing. Allele origin: germline.
Comment: In summary, the available evidence is currently insufficient to determine the role of this variant in disease. Therefore, it has been classified as a Variant of Uncertain Significance. Experimental studies and prediction algorithms are not available or were not evaluated, and the functional significance of this variant is currently unknown. This variant has not been reported in the literature in individuals affected with CTNNA1-related conditions. This variant is not present in population databases (gnomAD no frequency). This variant, c.2281_2286del, results in the deletion of 2 amino acid(s) of the CTNNA1 protein (p.Arg761_Thr762del), but otherwise preserves the integrity of the reading frame.

NM_001903.5(CTNNA1):c.2281_2286del (p.Arg761_Thr762del)

Gene: CTNNA1 (catenin alpha 1; plus strand). Cytogenetic location: 5q31.2.
Variant type: Deletion.
Coding change: c.2281_2286del on transcript NM_001903.5 (MANE Select); coding-DNA positions 2281 to 2286, 6 bases deleted (CGCACC; older notation c.2281_2286delCGCACC).
Protein change: p.Arg761_Thr762del.
Molecular consequence: inframe deletion.
Genome position (GRCh38, 1-based): chr5:138,930,918-138,930,923, CGCACC deleted; deleting any 6 consecutive bases within chr5:138,930,917-138,930,923 gives the same sequence; the c. name uses the placement nearest the transcript's 3' end. VCF-style (leftmost placement, unchanged base first): chr5-138930916-GCCGCAC-G. GRCh37 (hg19) VCF-style: chr5-138266605-GCCGCAC-G.
Other names: c.1171_1176del, p.Arg391_Thr392del (NM_001324000.1, NM_001324001.1, NM_001324002.1 and 17 more transcripts); c.832_837del, p.Arg278_Thr279del (NM_001324006.1, NM_001324007.1, NM_001324008.1 and 2 more transcripts); c.1078_1083del, p.Arg360_Thr361del (NM_001324011.1); c.928_933del, p.Arg310_Thr311del (NM_001324012.1, NM_001324013.1); c.2281_2286del, p.Arg761_Thr762del (NM_001323983.1, NM_001323984.2, NM_001323985.2 and 2 more transcripts); c.2188_2193del, p.Arg730_Thr731del (NM_001323986.2); c.1972_1977del, p.Arg658_Thr659del (NM_001290309.3); c.1912_1917del, p.Arg638_Thr639del (NM_001290310.3).
Identifiers: ClinVar variation 2743171 (VCV002743171.3), dbSNP rs2533861660, ClinGen allele CA2697546525.